The following is an entry in ClinVar:

NM_000214.3(JAG1):c.1248T>G (p.Cys416Trp)

Gene: JAG1 (jagged canonical Notch ligand 1; minus strand). Cytogenetic location: 20p12.2.
Variant type: single nucleotide variant.
Coding change: c.1248T>G on transcript NM_000214.3 (MANE Select); coding-DNA position 1248, T replaced by G.
Protein change: p.Cys416Trp; replaces cysteine 416 with tryptophan.
Molecular consequence: missense variant.
Genome position (GRCh38, 1-based): chr20:10,649,622, A>C on the plus strand (T>G on the coding strand, the complement: JAG1 is on the minus strand). VCF-style: chr20-10649622-A-C. GRCh37 (hg19) VCF-style: chr20-10630270-A-C.
Other names: short protein forms C416W.
Identifiers: ClinVar variation 4992435 (VCV004992435.1).

ClinVar aggregate classification (germline): Uncertain significance (1 of 4 stars; one submission).

Conditions:
JAG1-related disorder. Also called: JAG1-related condition; JAG1-related disorders.

Submission:

PreventionGenetics, part of Exact Sciences
Classification: Uncertain significance for JAG1-related condition. Last evaluated: 2026-01-12. Review status: criteria provided, single submitter. Criteria: ACMG Guidelines, 2015. Collection method: clinical testing. Allele origin: germline.
Comment: The JAG1 c.1248T>G variant is predicted to result in the amino acid substitution p.Cys416Trp. To our knowledge, this variant has not been reported in the literature or in a large population database (gnomAD), indicating this variant is rare. At this time, the clinical significance of this variant is uncertain due to the absence of conclusive functional and genetic evidence.